The following is an entry in ClinVar:

ClinVar aggregate classification (germline): Uncertain significance. Review status: criteria provided, multiple submitters, no conflicts (2 of 4 stars). 2 submissions from 2 submitters: Uncertain significance (2). Last evaluated 2025-03-11.

Conditions:
Inborn genetic diseases. Identifiers: MedGen C0950123, MeSH D030342.

Allele frequency attached by ClinVar (database versions not stated): gnomAD 0.00003 and 0.00004; gnomAD exomes 0.00003; ExAC 0.00004; TOPMed 0.00005; ESP Exome Variant Server 0.00008.
gnomAD v4.1: 61 of 1,613,980 alleles (0.0038%); highest among the groups gnomAD compares: Middle Eastern, 0.082%; no homozygotes.

Submissions (2):

Labcorp Genetics (formerly Invitae), Labcorp
Classification: Uncertain significance. Last evaluated: 2025-03-11. Review status: criteria provided, single submitter. Criteria: Invitae Variant Classification Sherloc (09022015). Collection method: clinical testing. Allele origin: germline.
Comment: This sequence change replaces alanine, which is neutral and non-polar, with threonine, which is neutral and polar, at codon 1304 of the FN1 protein (p.Ala1304Thr). This variant is present in population databases (rs375301501, gnomAD 0.007%). This variant has not been reported in the literature in individuals affected with FN1-related conditions. ClinVar contains an entry for this variant (Variation ID: 1009593). An algorithm developed to predict the effect of missense changes on protein structure and function (PolyPhen-2) suggests that this variant is likely to be disruptive. In summary, the available evidence is currently insufficient to determine the role of this variant in disease. Therefore, it has been classified as a Variant of Uncertain Significance.

Ambry Genetics
Classification: Uncertain significance for Inborn genetic diseases. Last evaluated: 2022-09-14. Review status: criteria provided, single submitter. Criteria: Ambry Variant Classification Scheme 2023. Collection method: clinical testing. Allele origin: germline.

NM_212482.4(FN1):c.3910G>A (p.Ala1304Thr)

Gene: FN1 (fibronectin 1; minus strand). Cytogenetic location: 2q35.
Variant type: single nucleotide variant.
Coding change: c.3910G>A on transcript NM_212482.4 (MANE Select); coding-DNA position 3910, G replaced by A.
Protein change: p.Ala1304Thr; replaces alanine 1304 with threonine.
Molecular consequence: missense variant. On other transcripts: intron variant (10).
Genome position (GRCh38, 1-based): chr2:215,393,090, C>T on the plus strand (G>A on the coding strand, the complement: FN1 is on the minus strand). VCF-style: chr2-215393090-C-T. GRCh37 (hg19) VCF-style: chr2-216257813-C-T.
Other names: c.3910G>A (NM_212482.1); c.3910G>A, p.Ala1304Thr (NM_001306129.2, NM_001306130.2, NM_001365517.2 and 3 more transcripts); c.3797-1276G>A (NM_212474.3, NM_001306132.2, NM_001365523.2 and 7 more transcripts); short protein forms A1304T.
Identifiers: ClinVar variation 1009593 (VCV001009593.9), dbSNP rs375301501, ClinGen allele CA2094581.